The following is an entry in ClinVar:

ClinVar aggregate classification (germline): Likely pathogenic (1 of 4 stars; one submission).

Conditions:
COL1A1-related disorder. Also called: COL1A1- related disease; COL1A1-related condition.

Submission:

PreventionGenetics, part of Exact Sciences
Classification: Likely pathogenic for COL1A1-related condition. Last evaluated: 2024-12-31. Review status: criteria provided, single submitter. Criteria: ACMG Guidelines, 2015. Collection method: clinical testing. Allele origin: germline.
Comment: The COL1A1 c.3208-1G>T variant is predicted to disrupt the AG splice acceptor site and interfere with normal splicing. To our knowledge, this variant has not been reported in the literature or in a large population database (gnomAD), indicating this variant is rare. Similar variants (see example: c.3208-1G>A; c.3208-1G>C) have been reported in individuals with osteogenesis imperfecta (Zhytnik et al. 2017. PubMed ID: 28810924; Schleit. 2015. PubMed ID: 25963598). Variants that disrupt the consensus splice acceptor site in COL1A1 are expected to be pathogenic. This variant is interpreted as likely pathogenic.

NM_000088.4(COL1A1):c.3208-1G>T

Gene: COL1A1 (collagen type I alpha 1 chain; minus strand). Cytogenetic location: 17q21.33.
Variant type: single nucleotide variant.
Coding change: c.3208-1G>T on transcript NM_000088.4 (MANE Select); the canonical splice acceptor site of the intron before coding-DNA position 3208, G replaced by T.
Molecular consequence: splice acceptor variant.
Genome position (GRCh38, 1-based): chr17:50,188,150, C>A on the plus strand (G>T on the coding strand, the complement: COL1A1 is on the minus strand). VCF-style: chr17-50188150-C-A. GRCh37 (hg19) VCF-style: chr17-48265511-C-A.
Identifiers: ClinVar variation 4998438 (VCV004998438.1).